The following is an entry in ClinVar:

ClinVar aggregate classification (germline): Benign. Review status: criteria provided, multiple submitters, no conflicts (2 of 4 stars). 2 submissions from 2 submitters: Benign (2). Last evaluated 2018-06-14.

Allele frequency attached by ClinVar (database versions not stated): gnomAD exomes 0.00177; gnomAD 0.01830 and 0.01948; TOPMed 0.02051; 1000 Genomes Project 0.02356; 1000 Genomes Project 30x 0.02561.
gnomAD v4.1: 5,402 of 1,575,660 alleles (0.34%); highest among the groups gnomAD compares: African/African-American, 6.6%; 163 homozygotes.

Submissions (2):

GeneDx
Classification: Benign. Last evaluated: 2018-06-14. Review status: criteria provided, single submitter. Criteria: GeneDx Variant Classification (06012015). Collection method: clinical testing. Allele origin: germline. Affected: yes.
Comment: This variant is considered likely benign or benign based on one or more of the following criteria: it is a conservative change, it occurs at a poorly conserved position in the protein, it is predicted to be benign by multiple in silico algorithms, and/or has population frequency not consistent with disease.

Breakthrough Genomics
Classification: Benign. Review status: criteria provided, single submitter. Criteria: ACMG Guidelines, 2015. Collection method: not provided. Allele origin: germline. Inheritance: Autosomal recessive inheritance. Affected: yes.

NM_000090.4(COL3A1):c.2662-92G>C

Gene: COL3A1 (collagen type III alpha 1 chain; plus strand). Cytogenetic location: 2q32.2.
Variant type: single nucleotide variant.
Coding change: c.2662-92G>C on transcript NM_000090.4 (MANE Select); 92 bases into the intron before coding-DNA position 2662, G replaced by C.
Molecular consequence: intron variant.
Genome position (GRCh38, 1-based): chr2:189,003,890, G>C. VCF-style: chr2-189003890-G-C. GRCh37 (hg19) VCF-style: chr2-189868616-G-C.
Identifiers: ClinVar variation 675828 (VCV000675828.2), dbSNP rs41263781, ClinGen allele CA62557175.